The following is an entry in ClinVar:

ClinVar aggregate classification (germline): Likely benign. Review status: criteria provided, multiple submitters, no conflicts (2 of 4 stars). 4 submissions from 4 submitters: Likely benign (4). Last evaluated 2026-08-01.

Conditions:
Epidermolysis bullosa simplex 5C, with pyloric atresia (EBS5C). Also called: PLEC-Related Epidermolysis Bullosa with Pyloric Atresia; Epidermolysis bullosa simplex with pyloric atresia; PLEC1-Related Epidermolysis Bullosa with Pyloric Atresia. Identifiers: Orphanet 158684, MedGen C2677349, MONDO:0012807, OMIM 612138.
Epidermolysis bullosa simplex 5B, with muscular dystrophy (EBS5B). Also called: Epidermolysis bullosa simplex with muscular dystrophy; EPIDERMOLYSIS BULLOSA SIMPLEX AND LIMB-GIRDLE MUSCULAR DYSTROPHY. Identifiers: Orphanet 257, MedGen C2931072, MONDO:0009181, OMIM 226670.
Autosomal recessive limb-girdle muscular dystrophy type 2Q (LGMDR17). Also called: MUSCULAR DYSTROPHY, LIMB-GIRDLE, AUTOSOMAL RECESSIVE 17. Identifiers: Orphanet 254361, MedGen C3150989, MONDO:0013390, OMIM 613723.
Epidermolysis bullosa simplex, Ogna type (EBS5A). Also called: Pidermolysis bullosa simplex 5A, Ogna type; EPIDERMOLYSIS BULLOSA SIMPLEX 5A, OGNA TYPE. Identifiers: Orphanet 79401, MedGen C0432317, MONDO:0007555, OMIM 131950.
Epidermolysis bullosa simplex with nail dystrophy (EBS5D). Identifiers: MedGen C4225309, MONDO:0014661, OMIM 616487.
PLEC-related disorder. Also called: PLEC-related disorders; PLEC-related condition.

Allele frequency attached by ClinVar (database versions not stated): gnomAD exomes 0.00001; gnomAD 0.00002; TOPMed 0.00002.
gnomAD v4.1: 12 of 1,612,234 alleles (0.00074%); highest among the groups gnomAD compares: South Asian, 0.0011%; no homozygotes.

Submissions (4):

CeGaT Center for Human Genetics Tuebingen
Classification: Likely benign. Last evaluated: 2026-08-01. Review status: criteria provided, single submitter. Criteria: CeGaT Center For Human Genetics Tuebingen Variant Classification Criteria Version 2. Collection method: clinical testing. Allele origin: germline. Affected: yes. Observed: 1 variant allele.
Comment: PLEC: BP4, BP7

PreventionGenetics, part of Exact Sciences
Classification: Likely benign for PLEC-related condition. Last evaluated: 2026-02-03. Review status: criteria provided, single submitter. Criteria: ACMG Guidelines, 2015. Collection method: clinical testing. Allele origin: germline.
Comment: This variant is classified as likely benign based on ACMG/AMP sequence variant interpretation guidelines (Richards et al. 2015 PMID: 25741868, with internal and published modifications).

Blueprint Genetics
Classification: Likely benign. Last evaluated: 2024-10-21. Review status: criteria provided, single submitter. Criteria: ACMG Guidelines, 2015. Collection method: clinical testing. Allele origin: germline.

Labcorp Genetics (formerly Invitae), Labcorp
Classification: Likely benign for Autosomal recessive limb-girdle muscular dystrophy type 2Q; Epidermolysis bullosa simplex, Ogna type; Epidermolysis bullosa simplex with nail dystrophy; Epidermolysis bullosa simplex 5C, with pyloric atresia; Epidermolysis bullosa simplex 5B, with muscular dystrophy. Last evaluated: 2023-09-11. Review status: criteria provided, single submitter. Criteria: Invitae Variant Classification Sherloc (09022015). Collection method: clinical testing. Allele origin: germline.

NM_201384.3(PLEC):c.1995G>A (p.Leu665=)

Gene: PLEC (plectin; minus strand). Cytogenetic location: 8q24.3.
Variant type: single nucleotide variant.
Coding change: c.1995G>A on transcript NM_201384.3 (MANE Select); coding-DNA position 1995, G replaced by A.
Protein change: p.Leu665=; no amino-acid change (leucine 665 retained).
Molecular consequence: synonymous variant.
Genome position (GRCh38, 1-based): chr8:143,932,217, C>T on the plus strand (G>A on the coding strand, the complement: PLEC is on the minus strand). VCF-style: chr8-143932217-C-T. GRCh37 (hg19) VCF-style: chr8-145006385-C-T.
Other names: c.2076G>A, p.Leu692= (NM_000445.5); c.1953G>A, p.Leu651= (NM_201378.4); c.1929G>A, p.Leu643= (NM_201379.3); c.2406G>A, p.Leu802= (NM_201380.4); c.1899G>A, p.Leu633= (NM_201381.3); c.1995G>A, p.Leu665= (NM_201382.4); c.2007G>A, p.Leu669= (NM_201383.3).
Identifiers: ClinVar variation 738404 (VCV000738404.9), dbSNP rs1421224004, ClinGen allele CA463536219.
Genomic context (GRCh38, chr8:143,932,217, plus strand): 5'-CTCCCGCAGCAGCCGGTCCCCAGCATTTTGGAGCTCCTTGATCTTCTTCTCCTTCAGCTC[C>T]AGCTCCCGCATCAGCGCCTGGCACCAGAGCAAAGGGTCTCAGGGACGGCCGGCCACACCC-3'
Protein context (NP_958786.1, residues 655-675): KESYSALMRE[Leu665=]ELKEKKIKEL